The following is an entry in ClinVar:

ClinVar aggregate classification (germline): Uncertain significance (1 of 4 stars; one submission).

Conditions:
Primary ciliary dyskinesia. Also called: Ciliary dyskinesia. Identifiers: Orphanet 244, MedGen C0008780, MONDO:0016575, HP:0012265.

Allele frequency attached by ClinVar (database versions not stated): gnomAD exomes below 0.00001; TOPMed 0.00001; gnomAD 0.00003.
gnomAD v4.1: 8 of 1,525,768 alleles (0.00052%); highest among the groups gnomAD compares: East Asian, 0.016%; 1 homozygote.

Submission:

Ambry Genetics
Classification: Uncertain significance for Primary ciliary dyskinesia. Last evaluated: 2021-09-16. Review status: criteria provided, single submitter. Criteria: Ambry Variant Classification Scheme 2023. Collection method: clinical testing. Allele origin: germline.
Comment: The p.E600A variant (also known as c.1799A>C) is located in coding exon 5 of the RSPH4A gene. The glutamic acid at codon 600 is replaced by alanine, an amino acid with dissimilar properties. This change occurs in the first base pair of coding exon 5. This amino acid position is conserved. In addition, this alteration is predicted to be tolerated by in silico analysis. Since supporting evidence is limited at this time, the clinical significance of this alteration remains unclear.

NM_001010892.3(RSPH4A):c.1799A>C (p.Glu600Ala)

Gene: RSPH4A (radial spoke head component 4A; plus strand). Cytogenetic location: 6q22.1.
Variant type: single nucleotide variant.
Coding change: c.1799A>C on transcript NM_001010892.3 (MANE Select); coding-DNA position 1799, A replaced by C.
Protein change: p.Glu600Ala; replaces glutamic acid 600 with alanine.
Molecular consequence: missense variant. On other transcripts: synonymous variant (1).
Genome position (GRCh38, 1-based): chr6:116,630,435, A>C. VCF-style: chr6-116630435-A-C. GRCh37 (hg19) VCF-style: chr6-116951598-A-C.
Other names: c.1663A>C, p.Arg555= (NM_001161664.2); short protein forms E600A.
Identifiers: ClinVar variation 1780302 (VCV001780302.2), dbSNP rs1350567163, ClinGen allele CA365409648.